The following is an entry in ClinVar:

NM_017617.5(NOTCH1):c.5836C>T (p.Arg1946Cys)

Gene: NOTCH1 (notch receptor 1; minus strand). Cytogenetic location: 9q34.3.
Variant type: single nucleotide variant.
Coding change: c.5836C>T on transcript NM_017617.5 (MANE Select); coding-DNA position 5836, C replaced by T.
Protein change: p.Arg1946Cys; replaces arginine 1946 with cysteine.
Molecular consequence: missense variant.
Genome position (GRCh38, 1-based): chr9:136,500,650, G>A on the plus strand (C>T on the coding strand, the complement: NOTCH1 is on the minus strand). VCF-style: chr9-136500650-G-A. GRCh37 (hg19) VCF-style: chr9-139395102-G-A.
Other names: short protein forms R1946C.
Identifiers: ClinVar variation 935666 (VCV000935666.9), dbSNP rs1440167765, ClinGen allele CA375636833.

ClinVar aggregate classification (germline): Uncertain significance (1 of 4 stars; one submission).

Conditions:
Adams-Oliver syndrome 5 (AOS5). Identifiers: Orphanet 974, MedGen C4014970, MONDO:0014459, OMIM 616028.

Allele frequency attached by ClinVar (database versions not stated): gnomAD exomes below 0.00001 and 0.00002; gnomAD 0.00001; TOPMed 0.00002.
gnomAD v4.1: 32 of 1,611,706 alleles (0.002%); highest among the groups gnomAD compares: Non-Finnish European, 0.0025%; no homozygotes.

Submission:

Labcorp Genetics (formerly Invitae), Labcorp
Classification: Uncertain significance for Adams-Oliver syndrome 5. Last evaluated: 2025-08-20. Review status: criteria provided, single submitter. Criteria: Invitae Variant Classification Sherloc (09022015). Collection method: clinical testing. Allele origin: germline.
Comment: This sequence change replaces arginine, which is basic and polar, with cysteine, which is neutral and slightly polar, at codon 1946 of the NOTCH1 protein (p.Arg1946Cys). This variant is present in population databases (no rsID available, gnomAD 0.0009%). This variant has not been reported in the literature in individuals affected with NOTCH1-related conditions. ClinVar contains an entry for this variant (Variation ID: 935666). Invitae Evidence Modeling of protein sequence and biophysical properties (such as structural, functional, and spatial information, amino acid conservation, physicochemical variation, residue mobility, and thermodynamic stability) indicates that this missense variant is not expected to disrupt NOTCH1 protein function with a negative predictive value of 80%. In summary, the available evidence is currently insufficient to determine the role of this variant in disease. Therefore, it has been classified as a Variant of Uncertain Significance.